The following is an entry in ClinVar:

ClinVar aggregate classification (germline): Uncertain significance (1 of 4 stars; one submission).

gnomAD v4.1: 1 of 1,613,440 alleles (0.000062%); highest among the groups gnomAD compares: East Asian, 0.0022%; no homozygotes.

Submission:

Labcorp Genetics (formerly Invitae), Labcorp
Classification: Uncertain significance. Last evaluated: 2023-09-15. Review status: criteria provided, single submitter. Criteria: Invitae Variant Classification Sherloc (09022015). Collection method: clinical testing. Allele origin: germline.
Comment: In summary, the available evidence is currently insufficient to determine the role of this variant in disease. Therefore, it has been classified as a Variant of Uncertain Significance. An algorithm developed to predict the effect of missense changes on protein structure and function (PolyPhen-2) suggests that this variant is likely to be tolerated. This variant has not been reported in the literature in individuals affected with REST-related conditions. This variant is not present in population databases (gnomAD no frequency). This sequence change replaces alanine, which is neutral and non-polar, with serine, which is neutral and polar, at codon 699 of the REST protein (p.Ala699Ser).

NM_005612.5(REST):c.2095G>T (p.Ala699Ser)

Gene: REST (RE1 silencing transcription factor; plus strand). Cytogenetic location: 4q12.
Variant type: single nucleotide variant.
Coding change: c.2095G>T on transcript NM_005612.5 (MANE Select); coding-DNA position 2095, G replaced by T.
Protein change: p.Ala699Ser; replaces alanine 699 with serine.
Molecular consequence: missense variant.
Genome position (GRCh38, 1-based): chr4:56,930,953, G>T. VCF-style: chr4-56930953-G-T. GRCh37 (hg19) VCF-style: chr4-57797119-G-T.
Other names: c.2095G>T, p.Ala699Ser (NM_001193508.2, NM_001363453.3); short protein forms A699S.
Identifiers: ClinVar variation 3014871 (VCV003014871.3), dbSNP rs756479154, ClinGen allele CA357008063.